The following is an entry in ClinVar:

NM_004722.4(AP4M1):c.1320dup (p.Arg441fs)

Gene: AP4M1 (adaptor related protein complex 4 subunit mu 1; plus strand). Cytogenetic location: 7q22.1.
Variant type: Duplication.
Coding change: c.1320dup on transcript NM_004722.4 (MANE Select); coding-DNA position 1320, one base duplicated (G; older notation c.1320dupG).
Protein change: p.Arg441fs; shifts the reading frame from arginine 441.
Molecular consequence: frameshift variant.
Genome position (GRCh38, 1-based): chr7:100,106,840, G duplicated. VCF-style (leftmost placement, unchanged base first): chr7-100106839-T-TG. GRCh37 (hg19) VCF-style: chr7-99704462-T-TG.
Other names: c.1341dup, p.Arg448fs (NM_001363671.2); short protein forms R448fs, R441fs.
Identifiers: ClinVar variation 1437494 (VCV001437494.7), dbSNP rs1437455190, ClinGen allele CA576710900.

ClinVar aggregate classification (germline): Pathogenic (1 of 4 stars; one submission).

Conditions:
Hereditary spastic paraplegia 50 (SPG50). Also called: Spastic paraplegia 50, autosomal recessive. Identifiers: Orphanet 280763, MedGen C2752008, MONDO:0013048, OMIM 612936.

Allele frequency attached by ClinVar (database versions not stated): gnomAD exomes 0.00001; gnomAD 0.00003; TOPMed 0.00004.

Submission:

Labcorp Genetics (formerly Invitae), Labcorp
Classification: Pathogenic for Hereditary spastic paraplegia 50. Last evaluated: 2025-12-14. Review status: criteria provided, single submitter. Criteria: Invitae Variant Classification Sherloc (09022015). Collection method: clinical testing. Allele origin: germline.
Comment: This sequence change is expected to alter the c-terminus of the AP4M1 protein (p.Arg441Alafs*87). While this is not anticipated to result in nonsense mediated decay, it is expected to disrupt the last 13 amino acid(s) of the AP4M1 protein and extend the protein by 73 additional amino acid residues. This variant is present in population databases (no rsID available, gnomAD 0.007%). This variant has not been reported in the literature in individuals affected with AP4M1-related conditions. ClinVar contains an entry for this variant (Variation ID: 1437494). This variant disrupts a region of the AP4M1 protein in which other variant(s) (p.Arg441*) have been determined to be pathogenic (PMID: 26077850, 32979048, 32989326; internal data). This suggests that this is a clinically significant region of the protein, and that variants that disrupt it are likely to be disease-causing. For these reasons, this variant has been classified as Pathogenic.

Literature cited by the submitters: PubMed 26077850; PubMed 32979048; PubMed 32989326.